The following is an entry in ClinVar:

ClinVar aggregate classification (germline): Pathogenic/Likely pathogenic. Review status: criteria provided, multiple submitters, no conflicts (2 of 4 stars). 4 submissions from 4 submitters: Pathogenic (2); Likely pathogenic (2). Last evaluated 2026-08-08.

Conditions:
Congenital secretory diarrhea, chloride type (DIAR1). Also called: DIARRHEA 1, SECRETORY CHLORIDE, CONGENITAL; CHLORIDORRHEA, CONGENITAL; CHLORIDE DIARRHEA, CONGENITAL, FINNISH TYPE. Identifiers: Orphanet 53689, MedGen C0267662, MONDO:0008964, OMIM 214700.

Submissions (4):

GeneDx
Classification: Likely pathogenic. Last evaluated: 2026-08-08. Review status: criteria provided, single submitter. Criteria: GeneDx Variant Classification Process June 2021. Collection method: clinical testing. Allele origin: germline.
Comment: Canonical splice site variant predicted to result in an in-frame loss of the adjacent exon in a gene for which loss of function is a known mechanism of disease; Not observed at significant frequency in large population cohorts (gnomAD); This variant is associated with the following publications: (PMID: 25525159, 21694535)

Fulgent Genetics
Classification: Likely pathogenic for Congenital secretory diarrhea, chloride type. Last evaluated: 2024-05-17. Review status: criteria provided, single submitter. Criteria: ACMG Guidelines, 2015. Collection method: clinical testing. Allele origin: germline.

Labcorp Genetics (formerly Invitae), Labcorp
Classification: Pathogenic. Last evaluated: 2022-03-29. Review status: criteria provided, single submitter. Criteria: Invitae Variant Classification Sherloc (09022015). Collection method: clinical testing. Allele origin: germline.
Comment: This sequence change affects an acceptor splice site in intron 11 of the SLC26A3 gene. It is expected to disrupt RNA splicing. Variants that disrupt the donor or acceptor splice site typically lead to a loss of protein function (PMID: 16199547), and loss-of-function variants in SLC26A3 are known to be pathogenic (PMID: 9718329, 21394828). For these reasons, this variant has been classified as Pathogenic. Algorithms developed to predict the effect of sequence changes on RNA splicing suggest that this variant may disrupt the consensus splice site. ClinVar contains an entry for this variant (Variation ID: 1275759). Disruption of this splice site has been observed in individual(s) with congenital chloride diarrhea (PMID: 21694535). This variant is not present in population databases (gnomAD no frequency).

Institute of Medical Genetics and Applied Genomics, University Hospital Tübingen
Classification: Pathogenic. Last evaluated: 2021-09-15. Review status: criteria provided, single submitter. Criteria: ACMG Guidelines, 2015. Collection method: clinical testing. Allele origin: germline. Inheritance: Autosomal recessive inheritance. Affected: yes.

Literature cited by the submitters: PubMed 16199547 (cited by Labcorp Genetics (formerly Invitae), Labcorp); PubMed 9718329 (cited by Labcorp Genetics (formerly Invitae), Labcorp); PubMed 21394828 (cited by Labcorp Genetics (formerly Invitae), Labcorp); PubMed 21694535 (cited by Labcorp Genetics (formerly Invitae), Labcorp).

NM_000111.3(SLC26A3):c.1312-1G>T

Gene: SLC26A3 (solute carrier family 26 member 3; minus strand). Cytogenetic location: 7q22.3.
Variant type: single nucleotide variant.
Coding change: c.1312-1G>T on transcript NM_000111.3 (MANE Select); the canonical splice acceptor site of the intron before coding-DNA position 1312, G replaced by T.
Molecular consequence: splice acceptor variant.
Genome position (GRCh38, 1-based): chr7:107,779,764, C>A on the plus strand (G>T on the coding strand, the complement: SLC26A3 is on the minus strand). VCF-style: chr7-107779764-C-A. GRCh37 (hg19) VCF-style: chr7-107420209-C-A.
Identifiers: ClinVar variation 1275759 (VCV001275759.10), dbSNP rs386833449, ClinGen allele CA368851530.
Genomic context (GRCh38, chr7:107,779,764, plus strand): 5'-TTCAGCAAACTGCATCAGCATTCCCTTTAAGTTTCCCAATGCTAAAGCTGCCAGGACGGA[C>A]TGTGAAAAACACAAACATCAGATGTACTTTAAGTTAATGAAATAAACCACAGGGAAGCAA-3'